The following is an entry in ClinVar:

ClinVar aggregate classification (germline): Uncertain significance (1 of 4 stars; one submission).

Submission:

GeneDx
Classification: Uncertain significance. Last evaluated: 2022-08-04. Review status: criteria provided, single submitter. Criteria: GeneDx Variant Classification Process June 2021. Collection method: clinical testing. Allele origin: germline. Affected: yes.
Comment: Not observed at significant frequency in large population cohorts (gnomAD); In silico analysis supports that this missense variant does not alter protein structure/function; Has not been previously published as pathogenic or benign to our knowledge

NM_000100.4(CSTB):c.40G>T (p.Ala14Ser)

Genes: CSTB (cystatin B; minus strand), LOC130066788 (ATAC-STARR-seq lymphoblastoid silent region 13368; plus strand). Cytogenetic location: 21q22.3.
Variant type: single nucleotide variant.
Coding change: c.40G>T on transcript NM_000100.4 (MANE Select); coding-DNA position 40, G replaced by T.
Protein change: p.Ala14Ser; replaces alanine 14 with serine.
Molecular consequence: missense variant.
Genome position (GRCh38, 1-based): chr21:43,776,230, C>A on the plus strand (G>T on the coding strand, the complement: CSTB is on the minus strand). VCF-style: chr21-43776230-C-A. GRCh37 (hg19) VCF-style: chr21-45196111-C-A.
Other names: short protein forms A14S.
Identifiers: ClinVar variation 2428833 (VCV002428833.4), dbSNP rs1169287716, ClinGen allele CA410408643.
Genomic context (GRCh38, chr21:43,776,230, plus strand): 5'-CTCCGGGCCGGCCCCGTCCCCGCGGCCCACCCACCTGGTCGGCGATGTGCTGGGTCTCGG[C>A]GGTGGCCGGCTGCGTGGCGGAGGGCGCCCCGCACATCATCTTGGCGGCGACGGAGGGAAT-3'
Protein context (NP_000091.1, residues 4-24): GAPSATQPAT[Ala14Ser]ETQHIADQVR